The following is an entry in ClinVar:

NM_001372574.1(ATXN2):c.2380C>T (p.Pro794Ser)

Gene: ATXN2 (ataxin 2; minus strand). Cytogenetic location: 12q24.12.
Variant type: single nucleotide variant.
Coding change: c.2380C>T on transcript NM_001372574.1 (MANE Select); coding-DNA position 2380, C replaced by T.
Protein change: p.Pro794Ser; replaces proline 794 with serine.
Molecular consequence: missense variant. On other transcripts: non-coding transcript variant (1).
Genome position (GRCh38, 1-based): chr12:111,485,790, G>A on the plus strand (C>T on the coding strand, the complement: ATXN2 is on the minus strand). VCF-style: chr12-111485790-G-A. GRCh37 (hg19) VCF-style: chr12-111923594-G-A.
Other names: c.2065C>T, p.Pro689Ser (NM_001310121.1); c.1993C>T, p.Pro665Ser (NM_001310123.1); c.2380C>T, p.Pro794Ser (NM_002973.4); short protein forms P665S, P689S, P794S.
Identifiers: ClinVar variation 4533537 (VCV004533537.7).

ClinVar aggregate classification (germline): Likely benign. Review status: criteria provided, multiple submitters, no conflicts (2 of 4 stars). 2 submissions from 2 submitters: Likely benign (2). Last evaluated 2025-11-01.

gnomAD v4.1: 845 of 1,614,022 alleles (0.052%); highest among the groups gnomAD compares: Middle Eastern, 0.15%; 2 homozygotes.

Submissions (2):

CeGaT Center for Human Genetics Tuebingen
Classification: Likely benign. Last evaluated: 2025-11-01. Review status: criteria provided, single submitter. Criteria: CeGaT Center For Human Genetics Tuebingen Variant Classification Criteria Version 2. Collection method: clinical testing. Allele origin: germline. Affected: yes. Observed: 1 variant allele.
Comment: ATXN2: BS1

Blueprint Genetics
Classification: Likely benign. Last evaluated: 2024-11-26. Review status: criteria provided, single submitter. Criteria: ACMG Guidelines, 2015. Collection method: clinical testing. Allele origin: germline.